The following is an entry in ClinVar:

ClinVar aggregate classification (germline): Uncertain significance (1 of 4 stars; one submission).

Conditions:
Multiple endocrine neoplasia, type 2 (MEN2). Identifiers: Orphanet 653, MedGen C4048306, MONDO:0019003. Disease mechanism: gain of function.

Submission:

Labcorp Genetics (formerly Invitae), Labcorp
Classification: Uncertain significance for Multiple endocrine neoplasia, type 2. Last evaluated: 2023-01-04. Review status: criteria provided, single submitter. Criteria: Invitae Variant Classification Sherloc (09022015). Collection method: clinical testing. Allele origin: germline.
Comment: Algorithms developed to predict the effect of missense changes on protein structure and function are either unavailable or do not agree on the potential impact of this missense change (SIFT: "Tolerated"; PolyPhen-2: "Probably Damaging"; Align-GVGD: "Class C0"). In summary, the available evidence is currently insufficient to determine the role of this variant in disease. Therefore, it has been classified as a Variant of Uncertain Significance. This variant has not been reported in the literature in individuals affected with RET-related conditions. This variant is not present in population databases (gnomAD no frequency). This sequence change replaces alanine, which is neutral and non-polar, with valine, which is neutral and non-polar, at codon 301 of the RET protein (p.Ala301Val).

NM_020975.6(RET):c.902C>T (p.Ala301Val)

Gene: RET (ret proto-oncogene; plus strand). Cytogenetic location: 10q11.21.
Variant type: single nucleotide variant.
Coding change: c.902C>T on transcript NM_020975.6 (MANE Select); coding-DNA position 902, C replaced by T.
Protein change: p.Ala301Val; replaces alanine 301 with valine.
Molecular consequence: missense variant. On other transcripts: intron variant (25).
Genome position (GRCh38, 1-based): chr10:43,106,410, C>T. VCF-style: chr10-43106410-C-T. GRCh37 (hg19) VCF-style: chr10-43601858-C-T.
Other names: c.902C>T, p.Ala301Val (NM_000323.2, NM_001406743.1, NM_001406744.1 and 6 more transcripts); c.140C>T, p.Ala47Val (NM_001355216.2); c.773C>T, p.Ala258Val (NM_001406761.1, NM_001406762.1, NM_001406764.1 and 1 more transcripts); c.614C>T, p.Ala205Val (NM_001406766.1, NM_001406767.1, NM_001406770.1); c.867+1217C>T (NM_001406772.1, NM_001406769.1); c.626-2621C>T (NM_001406773.1, NM_001406771.1); c.625+3781C>T (NM_001406782.1, NM_001406780.1, NM_001406779.1 and 3 more transcripts); c.738+1217C>T (NM_001406774.1); and 5 more; short protein forms A301V, A47V, A258V, A205V.
Identifiers: ClinVar variation 2825824 (VCV002825824.3), dbSNP rs2538402857, ClinGen allele CA376545796.
Genomic context (GRCh38, chr10:43,106,410, plus strand): 5'-TGACCAACGCCCTCTGCATCCTGCAGGACACCGTGGTGGCCACGCTGCGTGTCTTCGATG[C>T]AGACGTGGTACCTGCATCAGGGGAGCTGGTGAGGCGGTACACAAGCACGCTGCTCCCCGG-3'
Protein context (NP_066124.1, residues 291-311): TVVATLRVFD[Ala301Val]DVVPASGELV